The following is an entry in ClinVar:

ClinVar aggregate classification (germline): Uncertain significance (1 of 4 stars; one submission).

Conditions:
Meckel-Gruber syndrome. Also called: DYSENCEPHALIA SPLANCHNOCYSTICA; GRUBER SYNDROME; Dysencephalia splachnocystica. Identifiers: Orphanet 564, MedGen C0265215, MONDO:0018921.
Joubert syndrome. Also called: CEREBELLOPARENCHYMAL DISORDER IV; JOUBERT-BOLTSHAUSER SYNDROME; Familial aplasia of the vermis. Identifiers: Orphanet 475, MedGen C5979921, MONDO:0018772.

Allele frequency attached by ClinVar (database versions not stated): gnomAD exomes below 0.00001.
gnomAD v4.1: 2 of 1,614,120 alleles (0.00012%); highest among the groups gnomAD compares: Non-Finnish European, 0.00017%; no homozygotes.

Submission:

Labcorp Genetics (formerly Invitae), Labcorp
Classification: Uncertain significance for Joubert syndrome; Meckel-Gruber syndrome. Last evaluated: 2024-01-02. Review status: criteria provided, single submitter. Criteria: Invitae Variant Classification Sherloc (09022015). Collection method: clinical testing. Allele origin: germline.
Comment: This sequence change replaces leucine, which is neutral and non-polar, with valine, which is neutral and non-polar, at codon 490 of the MKS1 protein (p.Leu490Val). This variant is not present in population databases (gnomAD no frequency). This variant has not been reported in the literature in individuals affected with MKS1-related conditions. ClinVar contains an entry for this variant (Variation ID: 1482565). Advanced modeling of protein sequence and biophysical properties (such as structural, functional, and spatial information, amino acid conservation, physicochemical variation, residue mobility, and thermodynamic stability) performed at Invitae indicates that this missense variant is not expected to disrupt MKS1 protein function with a negative predictive value of 80%. In summary, the available evidence is currently insufficient to determine the role of this variant in disease. Therefore, it has been classified as a Variant of Uncertain Significance.

NM_017777.4(MKS1):c.1468T>G (p.Leu490Val)

Gene: MKS1 (MKS transition zone complex subunit 1; minus strand). Cytogenetic location: 17q22.
Variant type: single nucleotide variant.
Coding change: c.1468T>G on transcript NM_017777.4 (MANE Select); coding-DNA position 1468, T replaced by G.
Protein change: p.Leu490Val; replaces leucine 490 with valine.
Molecular consequence: missense variant. On other transcripts: intron variant (2).
Genome position (GRCh38, 1-based): chr17:58,206,487, A>C on the plus strand (T>G on the coding strand, the complement: MKS1 is on the minus strand). VCF-style: chr17-58206487-A-C. GRCh37 (hg19) VCF-style: chr17-56283848-A-C.
Other names: c.859T>G, p.Leu287Val (NM_001321268.2); c.1274-107T>G (NM_001330397.2); c.1408-107T>G (NM_001321269.2); short protein forms L490V, L287V.
Identifiers: ClinVar variation 1482565 (VCV001482565.8), dbSNP rs2143737631, ClinGen allele CA400324668.